The following is an entry in ClinVar:

NM_016239.4(MYO15A):c.4753G>A (p.Ala1585Thr)

Gene: MYO15A (myosin XVA; plus strand). Cytogenetic location: 17p11.2.
Variant type: single nucleotide variant.
Coding change: c.4753G>A on transcript NM_016239.4 (MANE Select); coding-DNA position 4753, G replaced by A.
Protein change: p.Ala1585Thr; replaces alanine 1585 with threonine.
Molecular consequence: missense variant.
Genome position (GRCh38, 1-based): chr17:18,136,660, G>A. VCF-style: chr17-18136660-G-A. GRCh37 (hg19) VCF-style: chr17-18039974-G-A.
Other names: short protein forms A1585T.
Identifiers: ClinVar variation 3361976 (VCV003361976.1).

ClinVar aggregate classification (germline): Uncertain significance (1 of 4 stars; one submission).

gnomAD v4.1: 38 of 1,611,046 alleles (0.0024%); highest among the groups gnomAD compares: Middle Eastern, 0.016%; 1 homozygote.

Submission:

GeneDx
Classification: Uncertain significance. Last evaluated: 2023-05-26. Review status: criteria provided, single submitter. Criteria: GeneDx Variant Classification Process June 2021. Collection method: clinical testing. Allele origin: germline. Affected: yes.
Comment: Not observed at significant frequency in large population cohorts (gnomAD); In silico analysis supports that this missense variant does not alter protein structure/function; Has not been previously published as pathogenic or benign to our knowledge